The following is an entry in ClinVar:

NM_001283009.2(RTEL1):c.106G>A (p.Val36Met)

Genes: RTEL1 (regulator of telomere elongation helicase 1; plus strand), RTEL1-TNFRSF6B (RTEL1-TNFRSF6B readthrough (NMD candidate); plus strand). Cytogenetic location: 20q13.33.
Variant type: single nucleotide variant.
Coding change: c.106G>A on transcript NM_001283009.2 (MANE Select); coding-DNA position 106, G replaced by A.
Protein change: p.Val36Met; replaces valine 36 with methionine.
Molecular consequence: missense variant. On other transcripts: non-coding transcript variant (1), 5 prime UTR variant (1).
Genome position (GRCh38, 1-based): chr20:63,661,301, G>A. VCF-style: chr20-63661301-G-A. GRCh37 (hg19) VCF-style: chr20-62292654-G-A.
Other names: c.-564G>A (NM_001283010.1); c.106G>A, p.Val36Met (NM_016434.4, NM_032957.5); short protein forms V36M.
Identifiers: ClinVar variation 2664707 (VCV002664707.1), dbSNP rs2516992189, ClinGen allele CA409657656.

ClinVar aggregate classification (germline): Uncertain significance (1 of 4 stars; one submission).

Conditions:
Dyskeratosis congenita, autosomal recessive 5 (DKCB5). Identifiers: MedGen C3554656, MONDO:0014076, OMIM 615190.

Submission:

Genetics and Molecular Pathology, SA Pathology
Classification: Uncertain significance for Dyskeratosis congenita, autosomal recessive 5. Last evaluated: 2022-12-22. Review status: criteria provided, single submitter. Criteria: ACMG Guidelines, 2015. Collection method: clinical testing. Allele origin: germline. Affected: yes.
Comment: The RTEL1 c.106G>A variant is classified as VUS (PM2, BP4) The RTEL1 c.106G>A variant is a single nucleotide change in exon 3/35 of the RTEL1 gene, which is predicted to change the amino acid valine at position 36 in the protein to methionine. This variant is absent from population databases (PM2). Multiple lines of computational evidence suggest this variant has no impact on the gene or gene product (BP4). This variant has not been reported in dbSNP, ClinVar or HGMD.